The following is an entry in ClinVar:

ClinVar aggregate classification (germline): Pathogenic (1 of 4 stars; one submission).

Conditions:
Interstitial lung disease due to ABCA3 deficiency. Also called: PULMONARY ALVEOLAR PROTEINOSIS, CONGENITAL, 3. Identifiers: Orphanet 440402, MedGen C1970456, MONDO:0012582, OMIM 610921.

Submission:

Myriad Genetics, Inc.
Classification: Pathogenic for Interstitial lung disease due to ABCA3 deficiency. Last evaluated: 2026-08-13. Review status: criteria provided, single submitter. Criteria: Myriad Autosomal Dominant, Autosomal Recessive and X-Linked Classification Criteria (2023). Collection method: clinical testing. Allele origin: unknown.
Comment: NM_001089.2(ABCA3):c.3952delC(L1318Sfs*28) is expected to be pathogenic in the context of surfactant deficiency, ABCA3-related. This variant is predicted to lead to an abnormal or absent protein product due to the creation of a premature termination codon in ABCA3, a gene where loss-of-function variants are known to be pathogenic. Please note: this variant was assessed in the context of healthy population screening.

NM_001089.3(ABCA3):c.3952del (p.Leu1318fs)

Gene: ABCA3 (ATP binding cassette subfamily A member 3; minus strand). Cytogenetic location: 16p13.3.
Variant type: Deletion.
Coding change: c.3952del on transcript NM_001089.3 (MANE Select); coding-DNA position 3952, one base deleted (C; older notation c.3952delC).
Protein change: p.Leu1318fs; shifts the reading frame from leucine 1318.
Molecular consequence: frameshift variant.
Genome position (GRCh38, 1-based): chr16:2,283,269, G deleted on the plus strand (C on the coding strand, the reverse complement: ABCA3 is on the minus strand); the first of 2 consecutive G bases (chr16:2,283,269-2,283,270); deleting either gives the same sequence. VCF-style (leftmost placement, unchanged base first): chr16-2283268-AG-A. GRCh37 (hg19) VCF-style: chr16-2333269-AG-A.
Other names: short protein forms L1318fs.
Identifiers: ClinVar variation 5016235 (VCV005016235.1).